The following is an entry in ClinVar:

NC_000019.9:g.(?_54297303)_(54327428_?)dup

Gene: NLRP12 (NLR family pyrin domain containing 12; minus strand). Cytogenetic location: 19q13.42.
Variant type: Duplication.
Identifiers: ClinVar variation 3248465 (VCV003248465.1).

ClinVar aggregate classification (germline): Uncertain significance (1 of 4 stars; one submission).

Conditions:
Familial cold autoinflammatory syndrome 2 (FCAS2). Identifiers: Orphanet 247868, MedGen C2673198, MONDO:0012724, OMIM 611762.

Submission:

Labcorp Genetics (formerly Invitae), Labcorp
Classification: Uncertain significance for Familial cold autoinflammatory syndrome 2. Last evaluated: 2023-12-02. Review status: criteria provided, single submitter. Criteria: Invitae Variant Classification Sherloc (09022015). Collection method: clinical testing. Allele origin: unknown.
Comment: A copy number gain of the genomic region encompassing the full coding sequence of the NLRP12 gene has been identified. The boundaries of this event are unknown as they extend beyond the assayed region for this gene and therefore may encompass additional genes. As the precise location of this event is unknown, it may be in tandem or it may be located elsewhere in the genome. This variant has not been reported in the literature in individuals affected with NLRP12-related conditions. In summary, the available evidence is currently insufficient to determine the role of this variant in disease. Therefore, it has been classified as a Variant of Uncertain Significance.